The following is an entry in ClinVar:

NM_000228.3(LAMB3):c.3069del (p.Pro1024fs)

Gene: LAMB3 (laminin subunit beta 3; minus strand). Cytogenetic location: 1q32.2.
Variant type: Deletion.
Coding change: c.3069del on transcript NM_000228.3 (MANE Select); coding-DNA position 3069, one base deleted (G; older notation c.3069delG).
Protein change: p.Pro1024fs; shifts the reading frame from proline 1024.
Molecular consequence: frameshift variant.
Genome position (GRCh38, 1-based): chr1:209,617,569, C deleted on the plus strand (G on the coding strand, the reverse complement: LAMB3 is on the minus strand); the first of 2 consecutive C bases (chr1:209,617,569-209,617,570); deleting either gives the same sequence. VCF-style (leftmost placement, unchanged base first): chr1-209617568-GC-G. GRCh37 (hg19) VCF-style: chr1-209790913-GC-G.
Other names: c.3069del, p.Pro1024fs (NM_001017402.2, NM_001127641.1); short protein forms P1024fs.
Identifiers: ClinVar variation 5015208 (VCV005015208.1).

ClinVar aggregate classification (germline): Pathogenic (1 of 4 stars; one submission).

Conditions:
Junctional epidermolysis bullosa. Identifiers: Orphanet 305, MedGen C0079301, MONDO:0017612.

Submission:

Myriad Genetics, Inc.
Classification: Pathogenic for Junctional epidermolysis bullosa. Last evaluated: 2025-11-13. Review status: criteria provided, single submitter. Criteria: Myriad Autosomal Dominant, Autosomal Recessive and X-Linked Classification Criteria (2023). Collection method: clinical testing. Allele origin: unknown.
Comment: NM_000228.2(LAMB3):c.3069delG(P1024Qfs*6) is expected to be pathogenic in the context of junctional epidermolysis bullosa, LAMB3-related. This variant is predicted to lead to an abnormal or absent protein product due to the creation of a premature termination codon in LAMB3, a gene where loss-of-function variants are known to be pathogenic. Please note: this variant was assessed in the context of healthy population screening.